The following is an entry in ClinVar:

ClinVar aggregate classification (germline): Benign/Likely benign. Review status: criteria provided, multiple submitters, no conflicts (2 of 4 stars). 3 submissions from 3 submitters: Benign (1); Likely benign (2). Last evaluated 2024-09-04.

Conditions:
Hereditary cancer-predisposing syndrome. Also called: Neoplastic Syndromes, Hereditary; Hereditary Cancer Syndrome; Tumor predisposition; Hereditary neoplastic syndrome. Identifiers: Orphanet 140162, MedGen C0027672, MeSH D009386, MONDO:0015356.
Ataxia-telangiectasia syndrome (AT). Also called: LOUIS-BAR SYNDROME; Cerebello-oculocutaneous telangiectasia; Immunodeficiency with ataxia telangiectasia; Ataxia-telangiectasia, complementation group D; AT, COMPLEMENTATION GROUP C; Ataxia-telangiectasia, complementation group E. Identifiers: Orphanet 100, MedGen C0004135, MONDO:0008840, OMIM 208900.
Familial cancer of breast. Also called: Hereditary breast cancer; BREAST CANCER, FAMILIAL; hereditary breast carcinoma. Identifiers: Orphanet 227535, MedGen C0346153, MONDO:0016419, OMIM 114480. Disease mechanism: loss of function.

Submissions (3):

Labcorp Genetics (formerly Invitae), Labcorp
Classification: Likely benign for Ataxia-telangiectasia syndrome. Last evaluated: 2024-09-04. Review status: criteria provided, single submitter. Criteria: Invitae Variant Classification Sherloc (09022015). Collection method: clinical testing. Allele origin: germline.

Myriad Genetics, Inc.
Classification: Benign for Familial cancer of breast. Last evaluated: 2024-06-17. Review status: criteria provided, single submitter. Criteria: Myriad Autosomal Dominant, Autosomal Recessive and X-Linked Classification Criteria (2023). Collection method: clinical testing. Allele origin: unknown.
Comment: This variant is considered benign. This variant is a silent/synonymous amino acid change and it is not expected to impact splicing.

Color Diagnostics, LLC DBA Color Health
Classification: Likely benign for Hereditary cancer-predisposing syndrome. Last evaluated: 2020-03-09. Review status: criteria provided, single submitter. Criteria: ACMG Guidelines, 2015. Collection method: clinical testing. Allele origin: germline.

NM_000051.4(ATM):c.7947A>G (p.Ala2649=)

Genes: ATM (ATM serine/threonine kinase; plus strand), C11orf65 (chromosome 11 open reading frame 65; minus strand). Cytogenetic location: 11q22.3.
Variant type: single nucleotide variant.
Coding change: c.7947A>G on transcript NM_000051.4 (MANE Select); coding-DNA position 7947, A replaced by G.
Protein change: p.Ala2649=; no amino-acid change (alanine 2649 retained).
Molecular consequence: synonymous variant. On other transcripts: intron variant (2).
Genome position (GRCh38, 1-based): chr11:108,333,905, A>G. VCF-style: chr11-108333905-A-G. GRCh37 (hg19) VCF-style: chr11-108204632-A-G.
Other names: c.7947A>G, p.Ala2649= (NM_001351834.2); c.641-24834T>C (NM_001330368.2); c.*38+1315T>C (NM_001351110.2).
Identifiers: ClinVar variation 414592 (VCV000414592.15), dbSNP rs1060504301, ClinGen allele CA16613143.
Genomic context (GRCh38, chr11:108,333,905, plus strand): 5'-TCCTCAGTTTGTCACTAAAATCTCTTCATTTTTAAATACAGAAGGCATAAATATTCCAGC[A>G]GACCAGCCAATTACTAAACTTAAGAATTTAGAAGATGTTGTTGTCCCTACTATGGAAATT-3'
Protein context (NP_000042.3, residues 2639-2659): KTQRKGINIP[Ala2649=]DQPITKLKNL